The following is an entry in ClinVar:

NM_001039141.3(TRIOBP):c.3942G>C (p.Glu1314Asp)

Gene: TRIOBP (TRIO and F-actin binding protein; plus strand). Cytogenetic location: 22q13.1.
Variant type: single nucleotide variant.
Coding change: c.3942G>C on transcript NM_001039141.3 (MANE Select); coding-DNA position 3942, G replaced by C.
Protein change: p.Glu1314Asp; replaces glutamic acid 1314 with aspartic acid.
Molecular consequence: missense variant.
Genome position (GRCh38, 1-based): chr22:37,726,498, G>C. VCF-style: chr22-37726498-G-C. GRCh37 (hg19) VCF-style: chr22-38122505-G-C.
Other names: short protein forms E1314D.
Identifiers: ClinVar variation 1254805 (VCV001254805.19), dbSNP rs529894952, ClinGen allele CA10224262.

ClinVar aggregate classification (germline): Uncertain significance. Review status: criteria provided, multiple submitters, no conflicts (2 of 4 stars). 10 submissions from 10 submitters: Uncertain significance (8). 2 of the submissions do not count toward it. Last evaluated 2025-07-03.

Conditions:
Autosomal recessive nonsyndromic hearing loss 28. Identifiers: Orphanet 90636, MedGen C1853276, MONDO:0012355, OMIM 609823.
TRIOBP-related disorder. Also called: TRIOBP-related condition.

Allele frequency attached by ClinVar (database versions not stated): 1000 Genomes Project 30x 0.00016; 1000 Genomes Project 0.00020; gnomAD exomes 0.00030 and 0.00063; gnomAD 0.00035 and 0.00036; ExAC 0.00040.
gnomAD v4.1: 895 of 1,503,820 alleles (0.06%); highest among the groups gnomAD compares: Non-Finnish European, 0.075%; 1 homozygote.

Submissions (10):

GeneDx
Classification: Uncertain significance. Last evaluated: 2025-07-03. Review status: criteria provided, single submitter. Criteria: GeneDx Variant Classification Process June 2021. Collection method: clinical testing. Allele origin: germline. Affected: yes.
Comment: Observed in the heterozygous state with p.(R1221Q) in multiple individuals with bilateral hearing loss referred for genetic testing at GeneDx and in published literature (PMID: 26969326); one patient was found to have these variants on the same allele (in cis) (PMID: 36029164); In silico analysis suggests that this missense variant does not alter protein structure/function; This variant is associated with the following publications: (PMID: 29197352, 28089734, 27068579, 36029164, 26969326)

PreventionGenetics, part of Exact Sciences
Classification: Uncertain significance for TRIOBP-related condition. Last evaluated: 2025-06-21. Review status: criteria provided, single submitter. Criteria: ACMG Guidelines, 2015. Collection method: clinical testing. Allele origin: germline.
Comment: The TRIOBP c.3942G>C variant is predicted to result in the amino acid substitution p.Glu1314Asp. This variant was reported in an individual with hearing loss, being in cis with c.3662G>A (p.Arg1221Gln) and in trans to a third variant we interpret as benign(Table S3, Sloan-Heggen et al. 2016. PubMed ID: 26969326). This variant is reported in 0.061% of alleles in individuals of European (Non-Finnish) descent in gnomAD. At this time, the clinical significance of this variant is uncertain due to the absence of conclusive functional and genetic evidence.

Women's Health and Genetics/Laboratory Corporation of America, LabCorp
Classification: Uncertain significance. Last evaluated: 2025-03-31. Review status: criteria provided, single submitter. Criteria: LabCorp Variant Classification Summary - May 2015. Collection method: clinical testing. Allele origin: germline.
Comment: Variant summary: TRIOBP c.3942G>C (p.Glu1314Asp) results in a conservative amino acid change in the encoded protein sequence. Four of five in-silico tools predict a benign effect of the variant on protein function. The variant allele was found at a frequency of 0.0003 in 103884 control chromosomes. This frequency is not significantly higher than estimated for a pathogenic variant in TRIOBP causing Autosomal Recessive Nonsyndromic Hearing Loss 28, allowing no conclusion about variant significance. c.3942G>C has been reported in the literature in individuals affected with Autosomal Recessive Hearing Loss (example: Sloan-heggen_2016, Kabahuma_2022). These report(s) do not provide unequivocal conclusions about association of the variant with Autosomal Recessive Nonsyndromic Hearing Loss 28. To our knowledge, no experimental evidence demonstrating an impact on protein function has been reported. The following publications have been ascertained in the context of this evaluation (PMID: 36029164, 26969326). ClinVar contains an entry for this variant (Variation ID: 1254805). Based on the evidence outlined above, the variant was classified as uncertain significance.

Revvity Omics, Revvity
Classification: Uncertain significance for Autosomal recessive nonsyndromic hearing loss 28. Last evaluated: 2024-10-23. Review status: criteria provided, single submitter. Criteria: ACMG Guidelines, 2015. Collection method: clinical testing. Allele origin: germline.

Blueprint Genetics
Classification: Uncertain significance. Last evaluated: 2024-10-02. Review status: criteria provided, single submitter. Criteria: ACMG Guidelines, 2015. Collection method: clinical testing. Allele origin: germline.

Labcorp Genetics (formerly Invitae), Labcorp
Classification: Uncertain significance. Last evaluated: 2022-08-15. Review status: criteria provided, single submitter. Criteria: Invitae Variant Classification Sherloc (09022015). Collection method: clinical testing. Allele origin: germline.
Comment: This sequence change replaces glutamic acid, which is acidic and polar, with aspartic acid, which is acidic and polar, at codon 1314 of the TRIOBP protein (p.Glu1314Asp). This variant is present in population databases (rs529894952, gnomAD 0.06%). This missense change has been observed in individual(s) with TRIOBP-related conditions (PMID: 26969326). ClinVar contains an entry for this variant (Variation ID: 1254805). Algorithms developed to predict the effect of missense changes on protein structure and function are either unavailable or do not agree on the potential impact of this missense change (SIFT: "Deleterious"; PolyPhen-2: "Probably Damaging"; Align-GVGD: "Class C0"). In summary, the available evidence is currently insufficient to determine the role of this variant in disease. Therefore, it has been classified as a Variant of Uncertain Significance.

Fulgent Genetics
Classification: Uncertain significance for Autosomal recessive nonsyndromic hearing loss 28. Last evaluated: 2021-07-29. Review status: criteria provided, single submitter. Criteria: ACMG Guidelines, 2015. Collection method: clinical testing. Allele origin: unknown.

Victorian Clinical Genetics Services, Murdoch Childrens Research Institute
Classification: Uncertain significance for Autosomal recessive nonsyndromic hearing loss 28. Last evaluated: 2020-05-21. Review status: criteria provided, single submitter. Criteria: ACMG Guidelines, 2015. Collection method: clinical testing. Allele origin: germline. Inheritance: Autosomal recessive inheritance. Affected: yes.
Comment: A heterozygous missense variant was identified, NM_001039141.2(TRIOBP):c.3942G>C in exon 7 of the TRIOBP gene. (NB: this variant is non-coding in alternative transcripts). This substitution is predicted to create a minor amino acid change from a glutamic acid to an aspartic acid at position 1314 of the protein; NP_001034230.1(TRIOBP):p.(Glu1314Asp). The arginine at this position has very high conservation (100 vertebrates, UCSC), but is not situated in a known functional domain (NCBI, PDB). In silico software predicts this variant to be tolerated (PolyPhen2, PROVEAN, MutationAssessor, FATHMM). The variant is present in the gnomAD population database at a global population frequency of 0.030% (40 heterozygotes, 0 homozygotes) with a European sub-population frequency of 0.061%. This variant has been previously reported as a VUS (LOVD, Sommen, M. et al. (2016), Wesdorp, M. et al. (2017)). Based on information available at the time of curation, this variant has been classified as a VUS with LOW CLINICAL RELEVANCE. Legend: (P) - Pathogenic, (N) - Neutral, (B) - Benign

Clinical Genetics DNA and cytogenetics Diagnostics Lab, Erasmus MC, Erasmus Medical Center
Classification: Uncertain significance. Review status: no assertion criteria provided. Collection method: clinical testing. Allele origin: germline. Affected: yes. Study: VKGL Data-share Consensus. Not counted in ClinVar's aggregate classification.

Joint Genome Diagnostic Labs from Nijmegen and Maastricht, Radboudumc and MUMC+
Classification: Uncertain significance. Review status: no assertion criteria provided. Collection method: clinical testing. Allele origin: germline. Affected: yes. Study: VKGL Data-share Consensus. Not counted in ClinVar's aggregate classification.

Literature cited by the submitters: PubMed 26969326 (cited by Women's Health and Genetics/Laboratory Corporation of America, LabCorp and Labcorp Genetics (formerly Invitae), Labcorp); PubMed 36029164 (cited by Women's Health and Genetics/Laboratory Corporation of America, LabCorp); PubMed 27068579 (cited by Victorian Clinical Genetics Services, Murdoch Childrens Research Institute); PubMed 28089734 (cited by Victorian Clinical Genetics Services, Murdoch Childrens Research Institute).